The following is an entry in ClinVar:

NM_021098.3(CACNA1H):c.250G>T (p.Gly84Cys)

Gene: CACNA1H (calcium voltage-gated channel subunit alpha1 H; plus strand). Cytogenetic location: 16p13.3.
Variant type: single nucleotide variant.
Coding change: c.250G>T on transcript NM_021098.3 (MANE Select); coding-DNA position 250, G replaced by T.
Protein change: p.Gly84Cys; replaces glycine 84 with cysteine.
Molecular consequence: missense variant.
Genome position (GRCh38, 1-based): chr16:1,153,987, G>T. VCF-style: chr16-1153987-G-T. GRCh37 (hg19) VCF-style: chr16-1203987-G-T.
Other names: c.250G>T, p.Gly84Cys (NM_001005407.2); short protein forms G84C.
Identifiers: ClinVar variation 2087093 (VCV002087093.4), dbSNP rs1375608861, ClinGen allele CA394145941.
Genomic context (GRCh38, chr16:1,153,987, plus strand): 5'-GCCGACGAGGAGCAGCGCGTCCCGTACCCGGCCTTGGCGGCCACGGTCTTCTTCTGCCTC[G>T]GTCAGACCACGCGGCCGCGCAGCTGGTGCCTCCGGCTGGTCTGCAACCCATATCCTTCCC-3'
Protein context (NP_066921.2, residues 74-94): ALAATVFFCL[Gly84Cys]QTTRPRSWCL

ClinVar aggregate classification (germline): Uncertain significance (1 of 4 stars; one submission).

Conditions:
Idiopathic generalized epilepsy. Also called: EIG; Generalised epilepsy. Identifiers: MedGen C0270850, MONDO:0005579, OMIM 600669.
Hyperaldosteronism, familial, type IV (HALD4). Also called: FH IV; ALDOSTERONISM, PRIMARY, AND HYPERTENSION. Identifiers: Orphanet 642671, MedGen C4310756, MONDO:0014875, OMIM 617027.

gnomAD v4.1: 4 of 1,424,878 alleles (0.00028%); highest among the groups gnomAD compares: Non-Finnish European, 0.00037%; no homozygotes.

Submission:

Labcorp Genetics (formerly Invitae), Labcorp
Classification: Uncertain significance for Idiopathic generalized epilepsy; Hyperaldosteronism, familial, type IV. Last evaluated: 2022-01-17. Review status: criteria provided, single submitter. Criteria: Invitae Variant Classification Sherloc (09022015). Collection method: clinical testing. Allele origin: germline.
Comment: Advanced modeling of protein sequence and biophysical properties (such as structural, functional, and spatial information, amino acid conservation, physicochemical variation, residue mobility, and thermodynamic stability) performed at Invitae indicates that this missense variant is not expected to disrupt CACNA1H protein function. This variant has not been reported in the literature in individuals affected with CACNA1H-related conditions. This variant is not present in population databases (gnomAD no frequency). This sequence change replaces glycine, which is neutral and non-polar, with cysteine, which is neutral and slightly polar, at codon 84 of the CACNA1H protein (p.Gly84Cys). In summary, the available evidence is currently insufficient to determine the role of this variant in disease. Therefore, it has been classified as a Variant of Uncertain Significance.